The following is an entry in ClinVar:

NM_014043.4(CHMP2B):c.205C>T (p.Arg69Trp)

Gene: CHMP2B (charged multivesicular body protein 2B; plus strand). Cytogenetic location: 3p11.2.
Variant type: single nucleotide variant.
Coding change: c.205C>T on transcript NM_014043.4 (MANE Select); coding-DNA position 205, C replaced by T.
Protein change: p.Arg69Trp; replaces arginine 69 with tryptophan.
Molecular consequence: missense variant.
Genome position (GRCh38, 1-based): chr3:87,245,792, C>T. VCF-style: chr3-87245792-C-T. GRCh37 (hg19) VCF-style: chr3-87294942-C-T.
Other names: c.82C>T, p.Arg28Trp (NM_001244644.2); c.205C>T (NM_014043.3); short protein forms R28W, R69W.
Identifiers: ClinVar variation 1385104 (VCV001385104.8), dbSNP rs553846327, ClinGen allele CA2500933.

ClinVar aggregate classification (germline): Uncertain significance. Review status: criteria provided, multiple submitters, no conflicts (2 of 4 stars). 2 submissions from 2 submitters: Uncertain significance (2). Last evaluated 2025-08-16.

Conditions:
Frontotemporal dementia and/or amyotrophic lateral sclerosis 7 (FTDALS7). Also called: CHMP2B-related frontotemporal dementia; Amyotrophic lateral sclerosis 17; AMYOTROPHIC LATERAL SCLEROSIS, CHMP2B-RELATED; CHMP2B-Related Frontotemporal Dementia-Amyotrophic Lateral Sclerosis. Identifiers: Orphanet 275864, Orphanet 282, Orphanet 803, MedGen C1833296, MONDO:0010936, OMIM 600795.
CHMP2B-related disorder. Also called: CHMP2B-related condition.

Allele frequency attached by ClinVar (database versions not stated): gnomAD 0.00001; ExAC 0.00002; TOPMed 0.00002; gnomAD exomes 0.00003; 1000 Genomes Project 30x 0.00016; 1000 Genomes Project 0.00020.

Submissions (2):

Labcorp Genetics (formerly Invitae), Labcorp
Classification: Uncertain significance for Frontotemporal dementia and/or amyotrophic lateral sclerosis 7. Last evaluated: 2025-08-16. Review status: criteria provided, single submitter. Criteria: Invitae Variant Classification Sherloc (09022015). Collection method: clinical testing. Allele origin: germline.
Comment: This sequence change replaces arginine, which is basic and polar, with tryptophan, which is neutral and slightly polar, at codon 69 of the CHMP2B protein (p.Arg69Trp). This variant is present in population databases (rs553846327, gnomAD 0.01%). This variant has not been reported in the literature in individuals affected with CHMP2B-related conditions. ClinVar contains an entry for this variant (Variation ID: 1385104). An algorithm developed to predict the effect of missense changes on protein structure and function (PolyPhen-2) suggests that this variant is likely to be disruptive. In summary, the available evidence is currently insufficient to determine the role of this variant in disease. Therefore, it has been classified as a Variant of Uncertain Significance.

PreventionGenetics, part of Exact Sciences
Classification: Uncertain significance for CHMP2B-related condition. Last evaluated: 2025-06-09. Review status: criteria provided, single submitter. Criteria: ACMG Guidelines, 2015. Collection method: clinical testing. Allele origin: germline.
Comment: The CHMP2B c.205C>T variant is predicted to result in the amino acid substitution p.Arg69Trp. To our knowledge, this variant has not been reported in the literature. This variant is reported in 0.011% of alleles in individuals of East Asian descent in gnomAD. A different variant affecting the same amino acid (p.Arg69Gln) has been reported in three unrelated individuals with CHMP2B GENE-related disease (Morgan. 2017. PubMed ID: 28430856; Bartoletti-Stella. 2018. PubMed ID: 29525180; van Blitterswijk. 2012. PubMed ID: 23155438). Although we suspect that this variant may be benign, at this time, the clinical significance of this variant is uncertain due to the absence of conclusive functional and genetic evidence.